The following is an entry in ClinVar:

ClinVar aggregate classification (germline): Uncertain significance (1 of 4 stars; one submission).

Conditions:
Brachyolmia-amelogenesis imperfecta syndrome. Also called: PLATYSPONDYLY WITH AMELOGENESIS IMPERFECTA; Tooth agenesis, selective, 6; Dental anomalies and short stature. Identifiers: Orphanet 2899, MedGen C1832594, MONDO:0011018, OMIM 601216. Disease mechanism: loss of function.

Allele frequency attached by ClinVar (database versions not stated): gnomAD exomes below 0.00001; ExAC 0.00002.
gnomAD v4.1: 6 of 1,614,106 alleles (0.00037%); highest among the groups gnomAD compares: Non-Finnish European, 0.00051%; no homozygotes.

Submission:

Labcorp Genetics (formerly Invitae), Labcorp
Classification: Uncertain significance for Brachyolmia-amelogenesis imperfecta syndrome. Last evaluated: 2026-01-21. Review status: criteria provided, single submitter. Criteria: Invitae Variant Classification Sherloc (09022015). Collection method: clinical testing. Allele origin: germline.
Comment: This sequence change replaces cysteine, which is neutral and slightly polar, with tyrosine, which is neutral and polar, at codon 824 of the LTBP3 protein (p.Cys824Tyr). This variant is present in population databases (rs778481598, gnomAD 0.007%). This variant has not been reported in the literature in individuals affected with LTBP3-related conditions. ClinVar contains an entry for this variant (Variation ID: 2909359). An algorithm developed to predict the effect of missense changes on protein structure and function (PolyPhen-2) suggests that this variant is likely to be disruptive. In summary, the available evidence is currently insufficient to determine the role of this variant in disease. Therefore, it has been classified as a Variant of Uncertain Significance.

NM_001130144.3(LTBP3):c.2471G>A (p.Cys824Tyr)

Gene: LTBP3 (latent transforming growth factor beta binding protein 3; minus strand). Cytogenetic location: 11q13.1.
Variant type: single nucleotide variant.
Coding change: c.2471G>A on transcript NM_001130144.3 (MANE Select); coding-DNA position 2471, G replaced by A.
Protein change: p.Cys824Tyr; replaces cysteine 824 with tyrosine.
Molecular consequence: missense variant.
Genome position (GRCh38, 1-based): chr11:65,543,432, C>T on the plus strand (G>A on the coding strand, the complement: LTBP3 is on the minus strand). VCF-style: chr11-65543432-C-T. GRCh37 (hg19) VCF-style: chr11-65310903-C-T.
Other names: c.2120G>A, p.Cys707Tyr (NM_001164266.1); c.2471G>A, p.Cys824Tyr (NM_021070.4); short protein forms C824Y, C707Y.
Identifiers: ClinVar variation 2909359 (VCV002909359.3), dbSNP rs778481598, ClinGen allele CA6100609.